The following is an entry in ClinVar:

ClinVar aggregate classification (germline): Likely benign. Review status: criteria provided, multiple submitters, no conflicts (2 of 4 stars). 3 submissions from 3 submitters: Likely benign (2). 1 of the submissions does not count toward it. Last evaluated 2026-02-01.

Conditions:
Congenital myasthenic syndrome 8. Also called: MYASTHENIC SYNDROME, CONGENITAL, DUE TO AGRIN DEFICIENCY; Myasthenic syndrome, congenital, 8, with pre- and postsynaptic defects. Identifiers: Orphanet 590, MedGen C3808739, MONDO:0014052, OMIM 615120.
AGRN-related disorder. Also called: AGRN-related condition.

Allele frequency attached by ClinVar (database versions not stated): TOPMed 0.00002.
gnomAD v4.1: 15 of 1,604,982 alleles (0.00093%); highest among the groups gnomAD compares: African/African-American, 0.0053%; no homozygotes.

Submissions (3):

CeGaT Center for Human Genetics Tuebingen
Classification: Likely benign. Last evaluated: 2026-02-01. Review status: criteria provided, single submitter. Criteria: CeGaT Center For Human Genetics Tuebingen Variant Classification Criteria Version 2. Collection method: clinical testing. Allele origin: germline. Affected: yes. Observed: 1 variant allele.
Comment: AGRN: BP4, BP7

Labcorp Genetics (formerly Invitae), Labcorp
Classification: Likely benign for Congenital myasthenic syndrome 8. Last evaluated: 2018-04-10. Review status: criteria provided, single submitter. Criteria: Invitae Variant Classification Sherloc (09022015). Collection method: clinical testing. Allele origin: germline.

PreventionGenetics, part of Exact Sciences
Classification: Likely benign for AGRN-related condition. Last evaluated: 2019-03-25. Review status: no assertion criteria provided. Collection method: clinical testing. Allele origin: germline. Not counted in ClinVar's aggregate classification.
Comment: This variant is classified as likely benign based on ACMG/AMP sequence variant interpretation guidelines (Richards et al. 2015 PMID: 25741868, with internal and published modifications).

NM_198576.4(AGRN):c.1650C>T (p.Thr550=)

Gene: AGRN (agrin; plus strand). Cytogenetic location: 1p36.33.
Variant type: single nucleotide variant.
Coding change: c.1650C>T on transcript NM_198576.4 (MANE Select); coding-DNA position 1650, C replaced by T.
Protein change: p.Thr550=; no amino-acid change (threonine 550 retained).
Molecular consequence: synonymous variant.
Genome position (GRCh38, 1-based): chr1:1,043,584, C>T. VCF-style: chr1-1043584-C-T. GRCh37 (hg19) VCF-style: chr1-978964-C-T.
Other names: c.1650C>T, p.Thr550= (NM_001305275.2); c.1335C>T, p.Thr445= (NM_001364727.2).
Identifiers: ClinVar variation 784867 (VCV000784867.15), dbSNP rs201719609, ClinGen allele CA508281.